The following is an entry in ClinVar:

NM_001378454.1(ALMS1):c.970A>G (p.Ile324Val)

Gene: ALMS1 (ALMS1 centrosome and basal body associated protein; plus strand). Cytogenetic location: 2p13.1.
Variant type: single nucleotide variant.
Coding change: c.970A>G on transcript NM_001378454.1 (MANE Select); coding-DNA position 970, A replaced by G.
Protein change: p.Ile324Val; replaces isoleucine 324 with valine.
Molecular consequence: missense variant.
Genome position (GRCh38, 1-based): chr2:73,424,635, A>G. VCF-style: chr2-73424635-A-G. GRCh37 (hg19) VCF-style: chr2-73651763-A-G.
Other names: c.973A>G, p.Ile325Val (NM_015120.4); short protein forms I324V, I325V.
Identifiers: ClinVar variation 2176815 (VCV002176815.4), dbSNP rs2466046511, ClinGen allele CA347261083.

ClinVar aggregate classification (germline): Uncertain significance (1 of 4 stars; one submission).

Conditions:
Alstrom syndrome (ALMS). Identifiers: Orphanet 64, MedGen C0268425, MONDO:0008763, OMIM 203800.

Allele frequency attached by ClinVar (database versions not stated): gnomAD exomes below 0.00001.
gnomAD v4.1: 2 of 1,614,008 alleles (0.00012%); highest among the groups gnomAD compares: Non-Finnish European, 0.00017%; no homozygotes.

Submission:

Labcorp Genetics (formerly Invitae), Labcorp
Classification: Uncertain significance for Alstrom syndrome. Last evaluated: 2022-02-22. Review status: criteria provided, single submitter. Criteria: Invitae Variant Classification Sherloc (09022015). Collection method: clinical testing. Allele origin: germline.
Comment: This variant is not present in population databases (gnomAD no frequency). This sequence change replaces isoleucine, which is neutral and non-polar, with valine, which is neutral and non-polar, at codon 325 of the ALMS1 protein (p.Ile325Val). This variant has not been reported in the literature in individuals affected with ALMS1-related conditions. Experimental studies and prediction algorithms are not available or were not evaluated, and the functional significance of this variant is currently unknown. In summary, the available evidence is currently insufficient to determine the role of this variant in disease. Therefore, it has been classified as a Variant of Uncertain Significance.